The following is an entry in ClinVar:

ClinVar aggregate classification (germline): Conflicting classifications of pathogenicity. Review status: criteria provided, conflicting classifications (1 of 4 stars). 2 submissions from 2 submitters: Uncertain significance (1); Benign (1). Last evaluated 2024-10-09.

Allele frequency attached by ClinVar (database versions not stated): TOPMed 0.00003; gnomAD 0.00002; ExAC 0.00002.
gnomAD v4.1: 14 of 1,613,756 alleles (0.00087%); highest among the groups gnomAD compares: African/African-American, 0.0053%; no homozygotes.

Submissions (2):

Labcorp Genetics (formerly Invitae), Labcorp
Classification: Benign. Last evaluated: 2024-10-09. Review status: criteria provided, single submitter. Criteria: Invitae Variant Classification Sherloc (09022015). Collection method: clinical testing. Allele origin: germline.

Women's Health and Genetics/Laboratory Corporation of America, LabCorp
Classification: Uncertain significance. Last evaluated: 2024-04-17. Review status: criteria provided, single submitter. Criteria: LabCorp Variant Classification Summary - May 2015. Collection method: clinical testing. Allele origin: germline.
Comment: Variant summary: KCNH1 c.656C>T (p.Thr219Met) results in a non-conservative amino acid change located in the Ion transport domain (IPR005821) of the encoded protein sequence. Three of five in-silico tools predict a damaging effect of the variant on protein function. The variant allele was found at a frequency of 1.2e-05 in 250938 control chromosomes (gnomAD). The available data on variant occurrences in the general population are insufficient to allow any conclusion about variant significance. To our knowledge, no occurrence of c.656C>T in individuals affected with KCNH1-Related Disorders and no experimental evidence demonstrating its impact on protein function have been reported. ClinVar contains an entry for this variant (Variation ID: 2043738). Based on the evidence outlined above, the variant was classified as uncertain significance.

NM_172362.3(KCNH1):c.656C>T (p.Thr219Met)

Gene: KCNH1 (potassium voltage-gated channel subfamily H member 1; minus strand). Cytogenetic location: 1q32.2.
Variant type: single nucleotide variant.
Coding change: c.656C>T on transcript NM_172362.3 (MANE Select); coding-DNA position 656, C replaced by T.
Protein change: p.Thr219Met; replaces threonine 219 with methionine.
Molecular consequence: missense variant.
Genome position (GRCh38, 1-based): chr1:211,019,159, G>A on the plus strand (C>T on the coding strand, the complement: KCNH1 is on the minus strand). VCF-style: chr1-211019159-G-A. GRCh37 (hg19) VCF-style: chr1-211192501-G-A.
Other names: c.656C>T, p.Thr219Met (NM_002238.4); short protein forms T219M.
Identifiers: ClinVar variation 2043738 (VCV002043738.5), dbSNP rs770912292, ClinGen allele CA1379978.